The following is an entry in ClinVar:

NM_003489.4(NRIP1):c.2853G>A (p.Pro951=)

Gene: NRIP1 (nuclear receptor interacting protein 1; minus strand). Cytogenetic location: 21q11.2.
Variant type: single nucleotide variant.
Coding change: c.2853G>A on transcript NM_003489.4 (MANE Select); coding-DNA position 2853, G replaced by A.
Protein change: p.Pro951=; no amino-acid change (proline 951 retained).
Molecular consequence: synonymous variant.
Genome position (GRCh38, 1-based): chr21:14,965,340, C>T on the plus strand (G>A on the coding strand, the complement: NRIP1 is on the minus strand). VCF-style: chr21-14965340-C-T. GRCh37 (hg19) VCF-style: chr21-16337661-C-T.
Identifiers: ClinVar variation 769117 (VCV000769117.13), dbSNP rs2228508, ClinGen allele CA9981068.

ClinVar aggregate classification (germline): Benign. Review status: criteria provided, multiple submitters, no conflicts (2 of 4 stars). 3 submissions from 3 submitters: Benign (2). 1 of the submissions does not count toward it. Last evaluated 2026-01-27.

Conditions:
NRIP1-related disorder. Also called: NRIP1-related condition.

Allele frequency attached by ClinVar (database versions not stated): ExAC 0.00937; 1000 Genomes Project 0.03095; ESP Exome Variant Server 0.03299; gnomAD 0.02836 and 0.03051; TOPMed 0.03248; 1000 Genomes Project 30x 0.03217.
gnomAD v4.1: 9,153 of 1,613,908 alleles (0.57%); highest among the groups gnomAD compares: African/African-American, 10%; 396 homozygotes.

Submissions (3):

Labcorp Genetics (formerly Invitae), Labcorp
Classification: Benign. Last evaluated: 2026-01-27. Review status: criteria provided, single submitter. Criteria: Invitae Variant Classification Sherloc (09022015). Collection method: clinical testing. Allele origin: germline.

Breakthrough Genomics
Classification: Benign. Review status: criteria provided, single submitter. Criteria: ACMG Guidelines, 2015. Collection method: not provided. Allele origin: germline. Inheritance: Autosomal dominant inheritance. Affected: yes.

PreventionGenetics, part of Exact Sciences
Classification: Benign for NRIP1-related condition. Last evaluated: 2019-06-21. Review status: no assertion criteria provided. Collection method: clinical testing. Allele origin: germline. Not counted in ClinVar's aggregate classification.
Comment: This variant is classified as benign based on ACMG/AMP sequence variant interpretation guidelines (Richards et al. 2015 PMID: 25741868, with internal and published modifications).